The following is an entry in ClinVar:

ClinVar aggregate classification (germline): Uncertain significance (1 of 4 stars; one submission).

Conditions:
Progressive sclerosing poliodystrophy (MTDPS4A). Also called: ALPERS PROGRESSIVE INFANTILE POLIODYSTROPHY; Mitochondrial DNA depletion syndrome 4A (Alpers type); ALPERS DIFFUSE DEGENERATION OF CEREBRAL GRAY MATTER WITH HEPATIC CIRRHOSIS; Alpers-Huttenlocher Syndrome; Alpers-Huttenlocher Syndrome (AHS); Alpers Syndrome. Identifiers: Orphanet 726, MedGen C0205710, MONDO:0008758, OMIM 203700.

gnomAD v4.1: 4 of 1,612,230 alleles (0.00025%); highest among the groups gnomAD compares: South Asian, 0.0022%; no homozygotes.

Submission:

Labcorp Genetics (formerly Invitae), Labcorp
Classification: Uncertain significance for Progressive sclerosing poliodystrophy. Last evaluated: 2025-03-09. Review status: criteria provided, single submitter. Criteria: Invitae Variant Classification Sherloc (09022015). Collection method: clinical testing. Allele origin: germline.
Comment: This sequence change replaces methionine, which is neutral and non-polar, with isoleucine, which is neutral and non-polar, at codon 94 of the POLG protein (p.Met94Ile). The frequency data for this variant in the population databases is considered unreliable, as metrics indicate poor data quality at this position in the gnomAD database. This variant has not been reported in the literature in individuals affected with POLG-related conditions. ClinVar contains an entry for this variant (Variation ID: 971927). Invitae Evidence Modeling of protein sequence and biophysical properties (such as structural, functional, and spatial information, amino acid conservation, physicochemical variation, residue mobility, and thermodynamic stability) indicates that this missense variant is not expected to disrupt POLG protein function with a negative predictive value of 95%. In summary, the available evidence is currently insufficient to determine the role of this variant in disease. Therefore, it has been classified as a Variant of Uncertain Significance.

NM_002693.3(POLG):c.282G>T (p.Met94Ile)

Genes: POLG (DNA polymerase gamma, catalytic subunit; minus strand), POLGARF (POLG alternative reading frame; minus strand). Cytogenetic location: 15q26.1.
Variant type: single nucleotide variant.
Coding change: c.282G>T on transcript NM_002693.3 (MANE Select); coding-DNA position 282, G replaced by T.
Protein change: p.Met94Ile; replaces methionine 94 with isoleucine.
Molecular consequence: missense variant.
Genome position (GRCh38, 1-based): chr15:89,333,473, C>A on the plus strand (G>T on the coding strand, the complement: POLG is on the minus strand). VCF-style: chr15-89333473-C-A. GRCh37 (hg19) VCF-style: chr15-89876704-C-A.
Other names: c.282G>T, p.Met94Ile (NM_001126131.2); short protein forms M94I.
Identifiers: ClinVar variation 971927 (VCV000971927.10), dbSNP rs753739487, ClinGen allele CA7725140.